The following is an entry in ClinVar:

NM_000144.5(FXN):c.317T>C (p.Leu106Ser)

Gene: FXN (frataxin; plus strand). Cytogenetic location: 9q21.11.
Variant type: single nucleotide variant.
Coding change: c.317T>C on transcript NM_000144.5 (MANE Select); coding-DNA position 317, T replaced by C.
Protein change: p.Leu106Ser; replaces leucine 106 with serine.
Molecular consequence: missense variant.
Genome position (GRCh38, 1-based): chr9:69,053,193, T>C. VCF-style: chr9-69053193-T-C. GRCh37 (hg19) VCF-style: chr9-71668109-T-C.
Other names: c.317T>C, p.Leu106Ser (NM_181425.3); short protein forms L106S.
Identifiers: ClinVar variation 585891 (VCV000585891.8), dbSNP rs104894105, ClinGen allele CA193385325.

ClinVar aggregate classification (germline): Pathogenic. Review status: criteria provided, multiple submitters, no conflicts (2 of 4 stars). 3 submissions from 3 submitters: Pathogenic (3). Last evaluated 2020-10-29.

Conditions:
FXN-related disorders.

Allele frequency attached by ClinVar (database versions not stated): gnomAD exomes 0.00001.

Submissions (3):

Athena Diagnostics
Classification: Pathogenic. Last evaluated: 2020-10-29. Review status: criteria provided, single submitter. Criteria: Athena Diagnostics criteria. Collection method: clinical testing. Allele origin: unknown.
Comment: The frequency of this variant in the general population is consistent with pathogenicity. This variant appears to segregate with disease in at least one family, however, the available information does not rule out segregation due to chance. Assessment of experimental evidence suggests this variant results in abnormal protein function. This variant leads to a loss of protein expression (PMID: 28812047). In multiple individuals, this variant has been seen with a single recessive pathogenic variant in the same gene, suggesting this variant may also be pathogenic. Computational tools predict that this variant is damaging.

Blueprint Genetics
Classification: Pathogenic for FXN-related disorders. Last evaluated: 2019-05-09. Review status: criteria provided, single submitter. Criteria: ACMG Guidelines, 2015. Collection method: clinical testing. Allele origin: germline. Affected: yes. Observed: 1 variant allele.

Eurofins Ntd Llc (ga)
Classification: Pathogenic. Last evaluated: 2017-09-13. Review status: criteria provided, single submitter. Criteria: EGL Classification Definitions 2015. Collection method: clinical testing. Allele origin: germline. Observed: 1 variant allele, 1 heterozygote.

Literature cited by the submitters: PubMed 20675166 (cited by Athena Diagnostics); PubMed 22752494 (cited by Athena Diagnostics); PubMed 9779809 (cited by Athena Diagnostics); PubMed 28812047 (cited by Athena Diagnostics); PubMed 26704351 (cited by Athena Diagnostics).